The following is an entry in ClinVar:

ClinVar aggregate classification (germline): Likely benign. Review status: criteria provided, single submitter (1 of 4 stars). 2 submissions from 2 submitters: Likely benign (1). 1 of the submissions does not count toward it.

Allele frequency attached by ClinVar (database versions not stated): gnomAD 0.00112 and 0.00173; TOPMed 0.00146; 1000 Genomes Project 0.01038; 1000 Genomes Project 30x 0.01046.
gnomAD v4.1: 2,029 of 1,493,194 alleles (0.14%); highest among the groups gnomAD compares: East Asian, 3.4%; 48 homozygotes.

Submissions (2):

Breakthrough Genomics
Classification: Likely benign. Review status: criteria provided, single submitter. Criteria: ACMG Guidelines, 2015. Collection method: not provided. Allele origin: germline. Inheritance: Autosomal recessive inheritance. Affected: yes.

Leiden Open Variation Database
Classification: Likely benign. Last evaluated: 2012-08-31. Review status: no assertion criteria provided. Collection method: curation. Allele origin: germline. Affected: yes. Not counted in ClinVar's aggregate classification.
Comment: Curator: Arleen D. Auerbach. Submitter to LOVD: Janine Bakker.

Literature cited by the submitters: PubMed 22911665 (cited by Leiden Open Variation Database).

NM_032444.4(SLX4):c.536-80C>T

Gene: SLX4 (SLX4 structure-specific endonuclease subunit; minus strand). Cytogenetic location: 16p13.3.
Variant type: single nucleotide variant.
Coding change: c.536-80C>T on transcript NM_032444.4 (MANE Select); 80 bases into the intron before coding-DNA position 536, C replaced by T.
Molecular consequence: intron variant.
Genome position (GRCh38, 1-based): chr16:3,606,778, G>A on the plus strand (C>T on the coding strand, the complement: SLX4 is on the minus strand). VCF-style: chr16-3606778-G-A. GRCh37 (hg19) VCF-style: chr16-3656779-G-A.
Identifiers: ClinVar variation 929591 (VCV000929591.2), dbSNP rs137869443, ClinGen allele CA276970339.